The following is an entry in ClinVar:

ClinVar aggregate classification (germline): Likely pathogenic (1 of 4 stars; one submission).

Conditions:
Retinitis pigmentosa 39 (RP39). Identifiers: Orphanet 791, MedGen C3151138, MONDO:0013436, OMIM 613809.
Usher syndrome type 2A. Also called: USHER SYNDROME, TYPE IIA; RETINAL DISEASE IN USHER SYNDROME TYPE IIA, MODIFIER OF. Identifiers: Orphanet 231178, Orphanet 886, MedGen C1848634, MONDO:0010169, OMIM 276901.

Submission:

Juno Genomics, Hangzhou Juno Genomics, Inc
Classification: Likely pathogenic for Retinitis pigmentosa 39; Usher syndrome type 2A. Review status: criteria provided, single submitter. Criteria: ACMG Guidelines, 2015. Collection method: clinical testing. Allele origin: germline.
Comment: Null variant in a gene where loss of function (LOF) is a known mechanism of disease.;Absent from controls (or at extremely low frequency if recessive) in Genome Aggregation Database.

NM_206933.4(USH2A):c.12683_12684del (p.Thr4228fs)

Gene: USH2A (usherin; minus strand). Cytogenetic location: 1q41.
Variant type: Microsatellite.
Coding change: c.12683_12684del on transcript NM_206933.4 (MANE Select); coding-DNA positions 12683 to 12684, 2 bases deleted (CA; older notation c.12683_12684delCA).
Protein change: p.Thr4228fs; shifts the reading frame from threonine 4228.
Molecular consequence: frameshift variant.
Genome position (GRCh38, 1-based): chr1:215,675,227-215,675,228, TG deleted on the plus strand (CA on the coding strand, the reverse complement: USH2A is on the minus strand); deleting any 2 consecutive bases within chr1:215,675,227-215,675,231 gives the same sequence; the c. name uses the placement nearest the transcript's 3' end. VCF-style (leftmost placement, unchanged base first): chr1-215675226-CTG-C. GRCh37 (hg19) VCF-style: chr1-215848568-CTG-C.
Other names: short protein forms T4228fs.
Identifiers: ClinVar variation 5005808 (VCV005005808.2).